The following is an entry in ClinVar:

NM_002890.3(RASA1):c.1935-3T>G

Genes: CCNH (cyclin H; minus strand), RASA1 (RAS p21 protein activator 1; plus strand). Cytogenetic location: 5q14.3.
Variant type: single nucleotide variant.
Coding change: c.1935-3T>G on transcript NM_002890.3 (MANE Select); 3 bases into the intron before coding-DNA position 1935, T replaced by G.
Molecular consequence: intron variant.
Genome position (GRCh38, 1-based): chr5:87,374,837, T>G. VCF-style: chr5-87374837-T-G. GRCh37 (hg19) VCF-style: chr5-86670654-T-G.
Other names: c.1404-3T>G (NM_022650.3); c.933+20207A>C (NM_001364075.2).
Identifiers: ClinVar variation 533451 (VCV000533451.9), dbSNP rs201249348, ClinGen allele CA658796542.

ClinVar aggregate classification (germline): Likely pathogenic (1 of 4 stars; one submission).

Conditions:
Capillary malformation-arteriovenous malformation syndrome. Also called: Capillary malformation-arteriovenous malformation. Identifiers: Orphanet 137667, MedGen C1842180, MONDO:0012016.

Submission:

Labcorp Genetics (formerly Invitae), Labcorp
Classification: Likely pathogenic for Capillary malformation-arteriovenous malformation syndrome. Last evaluated: 2018-01-30. Review status: criteria provided, single submitter. Criteria: Invitae Variant Classification Sherloc (09022015). Collection method: clinical testing. Allele origin: germline.
Comment: In summary, the currently available evidence indicates that the variant is pathogenic, but additional data are needed to prove that conclusively. Therefore, this variant has been classified as Likely Pathogenic. Nucleotide substitutions within the consensus splice site are a relatively common cause of aberrant splicing (PMID: 17576681, 9536098). Algorithms developed to predict the effect of sequence changes on RNA splicing suggest that this variant may disrupt the consensus splice site, but this prediction has not been confirmed by published transcriptional studies. This variant is not present in population databases (ExAC no frequency). This sequence change falls in intron 14 of the RASA1 gene. It does not directly change the encoded amino acid sequence of the RASA1 protein, but it affects a nucleotide within the consensus splice site of the intron.

Literature cited by the submitters: PubMed 17576681; PubMed 9536098.